The following is an entry in ClinVar:

NM_000143.4(FH):c.61G>C (p.Ala21Pro)

Gene: FH (fumarate hydratase; minus strand). Cytogenetic location: 1q43.
Variant type: single nucleotide variant.
Coding change: c.61G>C on transcript NM_000143.4 (MANE Select); coding-DNA position 61, G replaced by C.
Protein change: p.Ala21Pro; replaces alanine 21 with proline.
Molecular consequence: missense variant.
Genome position (GRCh38, 1-based): chr1:241,519,662, C>G on the plus strand (G>C on the coding strand, the complement: FH is on the minus strand). VCF-style: chr1-241519662-C-G. GRCh37 (hg19) VCF-style: chr1-241682962-C-G.
Other names: short protein forms A21P.
Identifiers: ClinVar variation 2110697 (VCV002110697.4), dbSNP rs2147926981, ClinGen allele CA345442905.

ClinVar aggregate classification (germline): Uncertain significance (1 of 4 stars; one submission).

Submission:

Labcorp Genetics (formerly Invitae), Labcorp
Classification: Uncertain significance. Last evaluated: 2022-03-13. Review status: criteria provided, single submitter. Criteria: Invitae Variant Classification Sherloc (09022015). Collection method: clinical testing. Allele origin: germline.
Comment: In summary, the available evidence is currently insufficient to determine the role of this variant in disease. Therefore, it has been classified as a Variant of Uncertain Significance. This sequence change replaces alanine, which is neutral and non-polar, with proline, which is neutral and non-polar, at codon 21 of the FH protein (p.Ala21Pro). This variant is not present in population databases (gnomAD no frequency). Advanced modeling of protein sequence and biophysical properties (such as structural, functional, and spatial information, amino acid conservation, physicochemical variation, residue mobility, and thermodynamic stability) performed at Invitae indicates that this missense variant is not expected to disrupt FH protein function. This variant has not been reported in the literature in individuals affected with FH-related conditions.